The following is an entry in ClinVar:

ClinVar aggregate classification (germline): Pathogenic (1 of 4 stars; one submission).

Conditions:
Familial hemophagocytic lymphohistiocytosis 3 (FHL3). Also called: UNC13D-Related Familial Hemophagocytic Lymphohistiocytosis (UNC13D-fHLH). Identifiers: Orphanet 540, MedGen C1837174, MONDO:0012146, OMIM 608898.

Allele frequency attached by ClinVar (database versions not stated): gnomAD exomes 0.00001 and 0.00003; gnomAD 0.00003.

Submission:

Labcorp Genetics (formerly Invitae), Labcorp
Classification: Pathogenic for Familial hemophagocytic lymphohistiocytosis 3. Last evaluated: 2020-11-18. Review status: criteria provided, single submitter. Criteria: Invitae Variant Classification Sherloc (09022015). Collection method: clinical testing. Allele origin: germline.
Comment: This sequence change creates a premature translational stop signal (p.Gly753Valfs*43) in the UNC13D gene. It is expected to result in an absent or disrupted protein product. This variant is not present in population databases (ExAC no frequency). This variant has not been reported in the literature in individuals with UNC13D-related conditions. Loss-of-function variants in UNC13D are known to be pathogenic (PMID: 14622600). For these reasons, this variant has been classified as Pathogenic.

Literature cited by the submitters: PubMed 14622600.

NM_199242.3(UNC13D):c.2258_2259insA (p.His754fs)

Gene: UNC13D (unc-13 homolog D; minus strand). Cytogenetic location: 17q25.1.
Variant type: Insertion.
Coding change: c.2258_2259insA on transcript NM_199242.3 (MANE Select); coding-DNA positions 2258 to 2259, A inserted.
Protein change: p.His754fs; shifts the reading frame from histidine 754.
Molecular consequence: frameshift variant.
Genome position: GRCh38 VCF-style: chr17-75834364-G-GT. GRCh37 (hg19) VCF-style: chr17-73830445-G-GT.
Other names: short protein forms H754fs.
Identifiers: ClinVar variation 1068466 (VCV001068466.2), dbSNP rs1163596220, ClinGen allele CA502049721.